The following is an entry in ClinVar:

NM_001365951.3(KIF1B):c.4040C>T (p.Ser1347Phe)

Gene: KIF1B (kinesin family member 1B; plus strand). Cytogenetic location: 1p36.22.
Variant type: single nucleotide variant.
Coding change: c.4040C>T on transcript NM_001365951.3 (MANE Select); coding-DNA position 4040, C replaced by T.
Protein change: p.Ser1347Phe; replaces serine 1347 with phenylalanine.
Molecular consequence: missense variant.
Genome position (GRCh38, 1-based): chr1:10,352,721, C>T. VCF-style: chr1-10352721-C-T. GRCh37 (hg19) VCF-style: chr1-10412779-C-T.
Other names: c.4040C>T, p.Ser1347Phe (NM_001365952.1); c.3902C>T, p.Ser1301Phe (NM_015074.3); short protein forms S1301F, S1347F.
Identifiers: ClinVar variation 1736035 (VCV001736035.3), dbSNP rs1427984416, ClinGen allele CA338344496.

ClinVar aggregate classification (germline): Uncertain significance (1 of 4 stars; one submission).

Allele frequency attached by ClinVar (database versions not stated): gnomAD exomes below 0.00001.
gnomAD v4.1: 3 of 1,613,498 alleles (0.00019%); highest among the groups gnomAD compares: Middle Eastern, 0.016%; no homozygotes.

Submission:

Ambry Genetics
Classification: Uncertain significance. Last evaluated: 2024-08-04. Review status: criteria provided, single submitter. Criteria: Ambry Variant Classification Scheme 2023. Collection method: clinical testing. Allele origin: germline.
Comment: The p.S1301F variant (also known as c.3902C>T), located in coding exon 35 of the KIF1B gene, results from a C to T substitution at nucleotide position 3902. The serine at codon 1301 is replaced by phenylalanine, an amino acid with highly dissimilar properties. This amino acid position is conserved. In addition, the in silico prediction for this alteration is inconclusive. Since supporting evidence is limited at this time, the clinical significance of this alteration remains unclear.